The following is an entry in ClinVar:

ClinVar aggregate classification (germline): Uncertain significance. Review status: criteria provided, multiple submitters, no conflicts (2 of 4 stars). 2 submissions from 2 submitters: Uncertain significance (2). Last evaluated 2025-08-26.

Conditions:
Renal-hepatic-pancreatic dysplasia 2 (RHPD2). Identifiers: MedGen C3809434, MONDO:0014174, OMIM 615415.
Polycystic kidney disease 8. Identifiers: MedGen C5935640, MONDO:0971178, OMIM 620903.
Nephronophthisis 9 (NPHP9). Identifiers: Orphanet 655, MedGen C3151188, MONDO:0013444, OMIM 613824.

Allele frequency attached by ClinVar (database versions not stated): gnomAD exomes 0.00001 and 0.00003; ExAC 0.00002; TOPMed 0.00002; gnomAD 0.00003 and 0.00004.
gnomAD v4.1: 25 of 1,614,022 alleles (0.0015%); highest among the groups gnomAD compares: Admixed American, 0.005%; no homozygotes.

Submissions (2):

Labcorp Genetics (formerly Invitae), Labcorp
Classification: Uncertain significance for Nephronophthisis 9. Last evaluated: 2025-08-26. Review status: criteria provided, single submitter. Criteria: Invitae Variant Classification Sherloc (09022015). Collection method: clinical testing. Allele origin: germline.
Comment: This sequence change replaces glycine, which is neutral and non-polar, with arginine, which is basic and polar, at codon 591 of the NEK8 protein (p.Gly591Arg). This variant is present in population databases (rs754159776, gnomAD 0.007%). This variant has not been reported in the literature in individuals affected with NEK8-related conditions. ClinVar contains an entry for this variant (Variation ID: 1036674). An algorithm developed to predict the effect of missense changes on protein structure and function (PolyPhen-2) suggests that this variant is likely to be disruptive. In summary, the available evidence is currently insufficient to determine the role of this variant in disease. Therefore, it has been classified as a Variant of Uncertain Significance.

Fulgent Genetics
Classification: Uncertain significance for Nephronophthisis 9; Renal-hepatic-pancreatic dysplasia 2; Polycystic kidney disease 8. Last evaluated: 2024-04-01. Review status: criteria provided, single submitter. Criteria: ACMG Guidelines, 2015. Collection method: clinical testing. Allele origin: germline.

NM_178170.3(NEK8):c.1771G>A (p.Gly591Arg)

Gene: NEK8 (NIMA related kinase 8; plus strand). Cytogenetic location: 17q11.2.
Variant type: single nucleotide variant.
Coding change: c.1771G>A on transcript NM_178170.3 (MANE Select); coding-DNA position 1771, G replaced by A.
Protein change: p.Gly591Arg; replaces glycine 591 with arginine.
Molecular consequence: missense variant.
Genome position (GRCh38, 1-based): chr17:28,741,116, G>A. VCF-style: chr17-28741116-G-A. GRCh37 (hg19) VCF-style: chr17-27068134-G-A.
Other names: short protein forms G591R.
Identifiers: ClinVar variation 1036674 (VCV001036674.6), dbSNP rs754159776, ClinGen allele CA8467536.